The following is an entry in ClinVar:

NM_001036.6(RYR3):c.6799G>A (p.Val2267Ile)

Gene: RYR3 (ryanodine receptor 3; plus strand). Cytogenetic location: 15q14.
Variant type: single nucleotide variant.
Coding change: c.6799G>A on transcript NM_001036.6 (MANE Select); coding-DNA position 6799, G replaced by A.
Protein change: p.Val2267Ile; replaces valine 2267 with isoleucine.
Molecular consequence: missense variant.
Genome position (GRCh38, 1-based): chr15:33,722,894, G>A. VCF-style: chr15-33722894-G-A. GRCh37 (hg19) VCF-style: chr15-34015095-G-A.
Other names: c.6799G>A, p.Val2267Ile (NM_001243996.4); short protein forms V2267I.
Identifiers: ClinVar variation 859928 (VCV000859928.12), dbSNP rs2068053416, ClinGen allele CA391587458.
Genomic context (GRCh38, chr15:33,722,894, plus strand): 5'-GCCATTAAGATCTCTGAGAACCCAGCGCTCGACCTCCCCTCTCAAGGATACAAAAGAGAA[G>A]TGTAAGTGAATGGAATTCCCTTCCGGCACAGATACGGTTGGTGAGCTCTCAGATATTATT-3'
Protein context (NP_001027.3, residues 2257-2277): DLPSQGYKRE[Val2267Ile]STGDDEEEEE

ClinVar aggregate classification (germline): Uncertain significance (1 of 4 stars; one submission).

Conditions:
Epileptic encephalopathy. Identifiers: MedGen C0543888, HP:0200134.

Allele frequency attached by ClinVar (database versions not stated): gnomAD exomes below 0.00001.
gnomAD v4.1: 2 of 1,563,346 alleles (0.00013%); highest among the groups gnomAD compares: Non-Finnish European, 0.00017%; no homozygotes.

Submission:

Labcorp Genetics (formerly Invitae), Labcorp
Classification: Uncertain significance for Epileptic encephalopathy. Last evaluated: 2019-12-30. Review status: criteria provided, single submitter. Criteria: Invitae Variant Classification Sherloc (09022015). Collection method: clinical testing. Allele origin: germline.
Comment: This sequence change replaces valine with isoleucine at codon 2267 of the RYR3 protein (p.Val2267Ile). The valine residue is moderately conserved and there is a small physicochemical difference between valine and isoleucine. In summary, the available evidence is currently insufficient to determine the role of this variant in disease. Therefore, it has been classified as a Variant of Uncertain Significance. Algorithms developed to predict the effect of missense changes on protein structure and function output the following: SIFT: "Tolerated"; PolyPhen-2: "Benign"; Align-GVGD: "Class C0". The isoleucine amino acid residue is found in multiple mammalian species, suggesting that this missense change does not adversely affect protein function. These predictions have not been confirmed by published functional studies and their clinical significance is uncertain. This variant has not been reported in the literature in individuals with RYR3-related conditions. This variant is not present in population databases (ExAC no frequency).